The following is an entry in ClinVar:

ClinVar aggregate classification (germline): Pathogenic (1 of 4 stars; one submission).

Conditions:
EPILEPSY, CHILDHOOD ABSENCE, SUSCEPTIBILITY TO, 2 (ECA2). Identifiers: Orphanet 64280, MedGen C1843244, OMIM 607681.
Febrile seizures, familial, 8 (FEB8). Also called: CONVULSIONS, FAMILIAL FEBRILE, 8. Identifiers: Orphanet 36387, MedGen C1969810, MONDO:0011891, OMIM 607681.

Submission:

Labcorp Genetics (formerly Invitae), Labcorp
Classification: Pathogenic for Febrile seizures, familial, 8; EPILEPSY, CHILDHOOD ABSENCE, SUSCEPTIBILITY TO, 2. Last evaluated: 2019-12-06. Review status: criteria provided, single submitter. Criteria: Invitae Variant Classification Sherloc (09022015). Collection method: clinical testing. Allele origin: germline.
Comment: For these reasons, this variant has been classified as Pathogenic. Loss-of-function variants in GABRG2 are known to be pathogenic (PMID: 22539854, 22750526, 24407264). Algorithms developed to predict the effect of sequence changes on RNA splicing suggest that this variant may create or strengthen a splice site, but this prediction has not been confirmed by published transcriptional studies. This variant has not been reported in the literature in individuals with GABRG2-related conditions. This variant is not present in population databases (ExAC no frequency). This sequence change creates a premature translational stop signal (p.Ser32*) in the GABRG2 gene. It is expected to result in an absent or disrupted protein product.

Literature cited by the submitters: PubMed 22539854; PubMed 22750526; PubMed 24407264.

NM_198904.4(GABRG2):c.95C>A (p.Ser32Ter)

Gene: GABRG2 (gamma-aminobutyric acid type A receptor subunit gamma2; plus strand). Cytogenetic location: 5q34.
Variant type: single nucleotide variant.
Coding change: c.95C>A on transcript NM_198904.4 (MANE Select); coding-DNA position 95, C replaced by A.
Protein change: p.Ser32Ter; replaces serine 32 with a stop codon.
Molecular consequence: nonsense. On other transcripts: 5 prime UTR variant (3), intron variant (1).
Genome position (GRCh38, 1-based): chr5:162,068,094, C>A. VCF-style: chr5-162068094-C-A. GRCh37 (hg19) VCF-style: chr5-161495100-C-A.
Other names: c.95C>A, p.Ser32Ter (NM_000816.3, NM_001375339.1, NM_001375340.1 and 5 more transcripts); c.29C>A, p.Ser10Ter (NM_001375345.1, NM_001375346.1); c.-264C>A (NM_001375348.1, NM_001375350.1); c.-312C>A (NM_001375349.1); c.20+453C>A (NM_001375347.1); short protein forms S32*, S10*.
Identifiers: ClinVar variation 855508 (VCV000855508.8), dbSNP rs1758361435, ClinGen allele CA362181898.
Genomic context (GRCh38, chr5:162,068,094, plus strand): 5'-CAGTCTACTCGACTCCTGTATTTTCACAGAAAATGACGGTGTGGATTCTGCTCCTGCTGT[C>A]GCTCTACCCTGGGTAAGATGTGCCCTTTTTGGCGTCGTTTTGTTCTGAAGAGGTGGGGGG-3'